The following is an entry in ClinVar:

ClinVar aggregate classification (germline): Uncertain significance (1 of 4 stars; one submission).

Conditions:
Nemaline myopathy 2 (NEM2). Also called: Nemaline myopathy 2, autosomal recessive. Identifiers: MedGen C1850569, MONDO:0009725, OMIM 256030.

Submission:

Labcorp Genetics (formerly Invitae), Labcorp
Classification: Uncertain significance for Nemaline myopathy 2. Last evaluated: 2020-08-25. Review status: criteria provided, single submitter. Criteria: Invitae Variant Classification Sherloc (09022015). Collection method: clinical testing. Allele origin: germline.
Comment: This sequence change replaces isoleucine with valine at codon 7779 of the NEB protein (p.Ile7779Val). The isoleucine residue is moderately conserved and there is a small physicochemical difference between isoleucine and valine. This variant is not present in population databases (ExAC no frequency). This variant has not been reported in the literature in individuals with NEB-related conditions. Algorithms developed to predict the effect of missense changes on protein structure and function are either unavailable or do not agree on the potential impact of this missense change (SIFT: "Deleterious"; PolyPhen-2: "Not Available"; Align-GVGD: "Class C0"). In summary, the available evidence is currently insufficient to determine the role of this variant in disease. Therefore, it has been classified as a Variant of Uncertain Significance.

NM_001164508.2(NEB):c.23230A>G (p.Ile7744Val)

Genes: NEB (nebulin; minus strand), RIF1 (replication timing regulatory factor 1; plus strand). Cytogenetic location: 2q23.3.
Variant type: single nucleotide variant.
Coding change: c.23230A>G on transcript NM_001164508.2 (MANE Select); coding-DNA position 23230, A replaced by G.
Protein change: p.Ile7744Val; replaces isoleucine 7744 with valine.
Molecular consequence: missense variant.
Genome position (GRCh38, 1-based): chr2:151,513,591, T>C on the plus strand (A>G on the coding strand, the complement: NEB is on the minus strand). VCF-style: chr2-151513591-T-C. GRCh37 (hg19) VCF-style: chr2-152370105-T-C.
Other names: c.23230A>G, p.Ile7744Val (NM_001164507.2); c.23335A>G, p.Ile7779Val (NM_001271208.2); c.18127A>G, p.Ile6043Val (NM_004543.5); short protein forms I6043V, I7744V, I7779V.
Identifiers: ClinVar variation 1024469 (VCV001024469.8), dbSNP rs2075994673, ClinGen allele CA348750994.
Genomic context (GRCh38, chr2:151,513,591, plus strand): 5'-AAGTTACAACTACTTTCCTGAAAGATTGACATCGAATAGTAGCACTGACCTGACTGGCAA[T>C]ATCAGTAGCATTCCTGGCCCTCATAAAATCCGGAGTTTCATTGGCCATGGCATTCAGGCC-3'
Protein context (NP_001157980.2, residues 7734-7754): DFMRARNATD[Ile7744Val]ASQIKYKQSA